The following is an entry in ClinVar:

NM_000540.3(RYR1):c.11763C>A (p.Tyr3921Ter)

Gene: RYR1 (ryanodine receptor 1; plus strand). Cytogenetic location: 19q13.2.
Variant type: single nucleotide variant.
Coding change: c.11763C>A on transcript NM_000540.3 (MANE Select); coding-DNA position 11763, C replaced by A.
Protein change: p.Tyr3921Ter; replaces tyrosine 3921 with a stop codon.
Molecular consequence: nonsense.
Genome position (GRCh38, 1-based): chr19:38,543,420, C>A. VCF-style: chr19-38543420-C-A. GRCh37 (hg19) VCF-style: chr19-39034060-C-A.
Other names: c.11748C>A, p.Tyr3916Ter (NM_001042723.2); short protein forms Y3921*, Y3916*.
Identifiers: ClinVar variation 161361 (VCV000161361.33), dbSNP rs377178986, ClinGen allele CA023934.

ClinVar aggregate classification (germline): Conflicting classifications of pathogenicity. Review status: criteria provided, conflicting classifications (1 of 4 stars). 14 submissions from 14 submitters: Pathogenic (8); Likely pathogenic (3); Uncertain significance (1). 2 of the submissions do not count toward it. Last evaluated 2026-01-19.

Conditions:
RYR1-related disorder. Also called: RYR1-related disorders; RYR1-related condition. Identifiers: MedGen CN239331.
Inborn genetic diseases. Identifiers: MedGen C0950123, MeSH D030342.
Congenital myopathy with fiber type disproportion. Also called: Congenital fiber-type disproportion myopathy; Congenital fiber-type disproportion. Identifiers: Orphanet 2020, MedGen C0546264, MONDO:0009711. Inheritance: all.
Central core myopathy (CMYO1A). Also called: Central core disease; Myopathy, central fibrillar; CONGENITAL MYOPATHY 1A, AUTOSOMAL DOMINANT, WITH SUSCEPTIBILITY TO MALIGNANT HYPERTHERMIA. Identifiers: Orphanet 597, MedGen C5830701, MONDO:0007294, OMIM 117000.
Malignant hyperthermia, susceptibility to, 1 (MHS1). Also called: RYR1-Related Malignant Hyperthermia Susceptibility; Anesthesia related hyperthermia; Malignant hyperpyrexia; Fulminating hyperpyrexia; Pharmacogenic myopathy; Malignant hyperthermia suceptibility 1. Identifiers: Orphanet 423, MedGen C2930980, MONDO:0007783, OMIM 145600.
Congenital multicore myopathy with external ophthalmoplegia (CMYO1B). Also called: Minicore myopathy with external ophthalmoplegia; MULTICORE MYOPATHY; Congenital myopathy 1B, autosomal recessive; Minicore myopathy; MULTIMINICORE DISEASE WITH EXTERNAL OPHTHALMOPLEGIA. Identifiers: Orphanet 598, Orphanet 98905, MedGen C1850674, MONDO:0009712, OMIM 255320, HP:0003789.
King Denborough syndrome (KDS). Identifiers: MedGen C1840365, MONDO:0020485, OMIM 619542.
Congenital myopathy. Identifiers: Orphanet 97245, MedGen C0270960, MONDO:0019952.

Allele frequency attached by ClinVar (database versions not stated): gnomAD 0.00003 and 0.00004; ExAC 0.00002; TOPMed 0.00004; ESP Exome Variant Server 0.00008; gnomAD exomes 0.00002 and 0.00005.
gnomAD v4.1: 74 of 1,614,116 alleles (0.0046%); highest among the groups gnomAD compares: Non-Finnish European, 0.0061%; no homozygotes.

Submissions 1 to 8 of 14:

Labcorp Genetics (formerly Invitae), Labcorp
Classification: Pathogenic for RYR1-related disorder. Last evaluated: 2026-01-19. Review status: criteria provided, single submitter. Criteria: Invitae Variant Classification Sherloc (09022015). Collection method: clinical testing. Allele origin: germline.
Comment: This sequence change creates a premature translational stop signal (p.Tyr3921*) in the RYR1 gene. It is expected to result in an absent or disrupted protein product. Loss-of-function variants in RYR1 are known to be pathogenic (PMID: 23919265, 25960145, 28818389, 30611313). This variant is present in population databases (rs377178986, gnomAD 0.008%). This premature translational stop signal has been observed in individuals with autosomal recessive RYR1-related conditions (PMID: 22473935, 28818389). ClinVar contains an entry for this variant (Variation ID: 161361). For these reasons, this variant has been classified as Pathogenic.

Athena Diagnostics
Classification: Likely pathogenic. Last evaluated: 2025-09-29. Review status: criteria provided, single submitter. Criteria: Athena Diagnostics Criteria. Collection method: clinical testing. Allele origin: unknown.
Comment: This variant is expected to result in the loss of a functional protein. The frequency of this variant in the general population is consistent with pathogenicity.

GeneDx
Classification: Pathogenic. Last evaluated: 2025-03-19. Review status: criteria provided, single submitter. Criteria: GeneDx Variant Classification Process June 2021. Collection method: clinical testing. Allele origin: germline.
Comment: Identified with a second RYR1 variant in patients with congenital myopathy and arthrogryposis in the published literature (PMID: 25683120, 22473935, 23553484); Nonsense variant predicted to result in protein truncation or nonsense mediated decay in a gene for which loss of function is a known mechanism of disease; Not observed at significant frequency in large population cohorts (gnomAD); This variant is associated with the following publications: (PMID: 25637381, 28818389, 32721234, 22473935, 23553484, 25683120, 36757698, 17033962, 23919265)

Variantyx, Inc.
Classification: Pathogenic for Congenital multicore myopathy with external ophthalmoplegia. Last evaluated: 2025-03-06. Review status: criteria provided, single submitter. Criteria: Variantyx Assertion Criteria 2022. Collection method: clinical testing. Allele origin: germline. Inheritance: Autosomal recessive inheritance.
Comment: This is a nonsense variant in the RYR1 gene (OMIM: 180901). Pathogenic variants in this gene have been associated with autosomal recessive congenital myopathy 1B. This variant introduces a premature termination codon in exon 85 out of 106. It is expected to result in loss of function, which is a known disease mechanism for RYR1 in this disorder (PVS1). This variant has been reported in the compound heterozygous state in at least 4 unrelated affected individuals (PMID: 25683120, 28818389, 22473935) (PM3). This variant has a 0.0061% maximum allele frequency in non-founder control populations (PM2). Based on the current evidence, this variant is classified as pathogenic for autosomal recessive congenital myopathy 1B.

Ambry Genetics
Classification: Pathogenic for Inborn genetic diseases. Last evaluated: 2024-11-01. Review status: criteria provided, single submitter. Criteria: Ambry Variant Classification Scheme 2023. Collection method: clinical testing. Allele origin: germline.
Comment: The c.11763C>A (p.Y3921*) alteration, located in coding exon 85 of the RYR1 gene, consists of a C to A substitution at nucleotide position 11763. This changes the amino acid from a tyrosine (Y) to a stop codon at amino acid position 3921. This alteration is expected to result in loss of function by premature protein truncation or nonsense-mediated mRNA decay. Although biallelic loss of function of RYR1 has been associated with autosomal recessive RYR1-related myopathy, haploinsufficiency of RYR1 has not been established as a mechanism of disease for autosomal dominant RYR1-related myopathy and malignant hyperthermia susceptibility. for autosomal recessive RYR1-related myopathy; however, it is unlikely to be causative of autosomal dominant RYR1-related myopathy, and its clinical significance for autosomal dominant malignant hyperthermia susceptibility is uncertain Based on data from gnomAD, the A allele has an overall frequency of 0.003% (8/282888) total alleles studied. The highest observed frequency was 0.008% (2/24966) of African alleles. This alteration has been reported multiple times in trans with non-truncating alterations in patients that present with early-onset RYR1-related myopathy. The clinical severity of these individuals vary from walking with no ocular involvement to severe congenital contractures of the limb and face with ocular, respiratory, and skeletal involvement (Klein, 2012; Chong, 2015; Abath Neto, 2017). Based on the available evidence, this alteration is classified as pathogenic.

Victorian Clinical Genetics Services, Murdoch Childrens Research Institute
Classification: Pathogenic for Congenital multicore myopathy with external ophthalmoplegia. Last evaluated: 2024-10-08. Review status: criteria provided, single submitter. Criteria: ACMG Guidelines, 2015. Collection method: clinical testing. Allele origin: germline. Inheritance: Autosomal recessive inheritance. Affected: yes.
Comment: Based on the classification scheme VCGS_Germline_v1.3.4, this variant is classified as Pathogenic. Following criteria are met: 0103 - Loss of function and gain of function are known mechanisms of disease in this gene and are associated with RYR1-related disorders (OMIM). Gain of function mechanism has been described in the context of malignant hyperthermia susceptibility 1 (MIM#145600) and autosomal dominant congenital myopathy 1A with susceptibility to malignant hyperthermia (MIM#117000). Autosomal recessive congenital myopathy 1B (MIM#255320) is associated with a loss of function mechanism (PMIDs: 27855725, 23919265). The mechanism of King-Denborough syndrome (MIM#619542) is unclear. (I) 0108 - This gene is associated with both recessive and dominant disease (OMIM). (I) 0201 - Variant is predicted to cause nonsense-mediated decay (NMD) and loss of protein (premature termination codon is located at least 54 nucleotides upstream of the final exon-exon junction). (SP) 0251 - This variant is heterozygous. (I) 0304 - Variant is present in gnomAD <0.01 (8 heterozygotes, 0 homozygotes). (SP) 0701 - Other NMD predicted variants comparable to the one identified in this case have very strong previous evidence for pathogenicity (DECIPHER). (SP) 0801 - This variant has strong previous evidence of pathogenicity in unrelated individuals. This variant has been classified as pathogenic or likely pathogenic by multiple clinical laboratories in ClinVar, and has been observed as compound heterozygous in individuals with autosomal recessive myopathies (PMIDs: 28818389, 22473935, 23919265). This variant has also been classified as a VUS in an infant with respiratory failure and a suspected neurological condition where no second variant was mentioned (PMID: 36757698). (SP) 1208 - Inheritance information for this variant is not currently available in this individual. (I) Legend: (SP) - Supporting pathogenic, (I) - Information, (SB) - Supporting benign

Color Diagnostics, LLC DBA Color Health
Classification: Uncertain significance for Malignant hyperthermia, susceptibility to, 1. Last evaluated: 2024-07-02. Review status: criteria provided, single submitter. Criteria: ACMG Guidelines, 2015. Collection method: clinical testing. Allele origin: germline.
Comment: This variant changes 1 nucleotide in exon 85 of the RYR1 gene, creating a premature translation stop signal. This variant is expected to result in an absent or non-functional protein product. This variant has not been reported in individuals affected with autosomal dominant malignant hyperthermia in the literature, although it is associated with other phenotype(s) (ClinVar Variation ID: 161361). This variant has been identified in 8/282888 chromosomes in the general population by the Genome Aggregation Database (gnomAD). Loss of RYR1 function due to haploinsufficiency is not an established disease mechanism for autosomal dominant malignant hyperthermia. Due to insufficient evidence, this variant is classified as a Variant of Uncertain Significance for autosomal dominant malignant hyperthermia.

Mendelics
Classification: Pathogenic for Malignant hyperthermia, susceptibility to, 1. Last evaluated: 2022-05-27. Review status: criteria provided, single submitter. Criteria: Mendelics Assertion Criteria 2017. Collection method: clinical testing. Allele origin: unknown.